The following is an entry in ClinVar:

ClinVar aggregate classification (germline): Uncertain significance. Review status: criteria provided, multiple submitters, no conflicts (2 of 4 stars). 2 submissions from 2 submitters: Uncertain significance (2). Last evaluated 2024-02-06.

Conditions:
Spastic paraplegia. Identifiers: MedGen C0037772, HP:0001258.

Allele frequency attached by ClinVar (database versions not stated): gnomAD exomes below 0.00001 and 0.00001; TOPMed 0.00001.
gnomAD v4.1: 10 of 1,613,884 alleles (0.00062%); highest among the groups gnomAD compares: Non-Finnish European, 0.00085%; no homozygotes.

Submissions (2):

Labcorp Genetics (formerly Invitae), Labcorp
Classification: Uncertain significance for Spastic paraplegia. Last evaluated: 2024-02-06. Review status: criteria provided, single submitter. Criteria: Invitae Variant Classification Sherloc (09022015). Collection method: clinical testing. Allele origin: germline.
Comment: This sequence change replaces arginine, which is basic and polar, with glutamine, which is neutral and polar, at codon 772 of the KIF5A protein (p.Arg772Gln). This variant is present in population databases (rs537001094, gnomAD 0.0009%). This variant has not been reported in the literature in individuals affected with KIF5A-related conditions. ClinVar contains an entry for this variant (Variation ID: 1428858). Advanced modeling of protein sequence and biophysical properties (such as structural, functional, and spatial information, amino acid conservation, physicochemical variation, residue mobility, and thermodynamic stability) has been performed at Invitae for this missense variant, however the output from this modeling did not meet the statistical confidence thresholds required to predict the impact of this variant on KIF5A protein function. In summary, the available evidence is currently insufficient to determine the role of this variant in disease. Therefore, it has been classified as a Variant of Uncertain Significance.

Breakthrough Genomics
Classification: Uncertain significance. Review status: criteria provided, single submitter. Criteria: ACMG Guidelines, 2015. Collection method: not provided. Allele origin: germline. Inheritance: Autosomal dominant inheritance. Affected: yes.

NM_004984.4(KIF5A):c.2315G>A (p.Arg772Gln)

Gene: KIF5A (kinesin family member 5A; plus strand). Cytogenetic location: 12q13.3.
Variant type: single nucleotide variant.
Coding change: c.2315G>A on transcript NM_004984.4 (MANE Select); coding-DNA position 2315, G replaced by A.
Protein change: p.Arg772Gln; replaces arginine 772 with glutamine.
Molecular consequence: missense variant.
Genome position (GRCh38, 1-based): chr12:57,577,727, G>A. VCF-style: chr12-57577727-G-A. GRCh37 (hg19) VCF-style: chr12-57971510-G-A.
Other names: c.2048G>A, p.Arg683Gln (NM_001354705.2); short protein forms R683Q, R772Q.
Identifiers: ClinVar variation 1428858 (VCV001428858.9), dbSNP rs537001094, ClinGen allele CA237789595.